The following is an entry in ClinVar:

ClinVar aggregate classification (germline): Uncertain significance. Review status: criteria provided, multiple submitters, no conflicts (2 of 4 stars). 2 submissions from 2 submitters: Uncertain significance (2). Last evaluated 2025-07-22.

gnomAD v4.1: 9 of 1,486,624 alleles (0.00061%); highest among the groups gnomAD compares: Non-Finnish European, 0.00081%; no homozygotes.

Submissions (2):

Labcorp Genetics (formerly Invitae), Labcorp
Classification: Uncertain significance. Last evaluated: 2025-07-22. Review status: criteria provided, single submitter. Criteria: Invitae Variant Classification Sherloc (09022015). Collection method: clinical testing. Allele origin: germline.
Comment: This sequence change replaces tyrosine, which is neutral and polar, with phenylalanine, which is neutral and non-polar, at codon 230 of the CPLANE1 protein (p.Tyr230Phe). This variant is present in population databases (no rsID available, gnomAD 0.004%). This variant has not been reported in the literature in individuals affected with CPLANE1-related conditions. ClinVar contains an entry for this variant (Variation ID: 3714221). Invitae Evidence Modeling of protein sequence and biophysical properties (such as structural, functional, and spatial information, amino acid conservation, physicochemical variation, residue mobility, and thermodynamic stability) indicates that this missense variant is not expected to disrupt CPLANE1 protein function with a negative predictive value of 95%. In summary, the available evidence is currently insufficient to determine the role of this variant in disease. Therefore, it has been classified as a Variant of Uncertain Significance.

Blueprint Genetics
Classification: Uncertain significance. Last evaluated: 2023-04-11. Review status: criteria provided, single submitter. Criteria: ACMG Guidelines, 2015. Collection method: clinical testing. Allele origin: germline.

NM_001384732.1(CPLANE1):c.689A>T (p.Tyr230Phe)

Gene: CPLANE1 (ciliogenesis and planar polarity effector complex subunit 1; minus strand). Cytogenetic location: 5p13.2.
Variant type: single nucleotide variant.
Coding change: c.689A>T on transcript NM_001384732.1 (MANE Select); coding-DNA position 689, A replaced by T.
Protein change: p.Tyr230Phe; replaces tyrosine 230 with phenylalanine.
Molecular consequence: missense variant.
Genome position (GRCh38, 1-based): chr5:37,239,858, T>A on the plus strand (A>T on the coding strand, the complement: CPLANE1 is on the minus strand). VCF-style: chr5-37239858-T-A. GRCh37 (hg19) VCF-style: chr5-37239960-T-A.
Other names: c.689A>T, p.Tyr230Phe (NM_023073.4); short protein forms Y230F.
Identifiers: ClinVar variation 3714221 (VCV003714221.3).